The following is an entry in ClinVar:

ClinVar aggregate classification (germline): Likely benign (0 of 4 stars; one submission).

Conditions:
CSMD1-related disorder. Also called: CSMD1-related condition.

Allele frequency attached by ClinVar (database versions not stated): ESP Exome Variant Server 0.00016; gnomAD 0.00021; TOPMed 0.00022; ExAC 0.00025; gnomAD exomes 0.00025; 1000 Genomes Project 30x 0.00031; 1000 Genomes Project 0.00040.
gnomAD v4.1: 421 of 1,613,536 alleles (0.026%); highest among the groups gnomAD compares: Admixed American, 0.047%; 1 homozygote.

Submission:

PreventionGenetics, part of Exact Sciences
Classification: Likely benign for CSMD1-related condition. Last evaluated: 2019-02-21. Review status: no assertion criteria provided. Collection method: clinical testing. Allele origin: germline.
Comment: This variant is classified as likely benign based on ACMG/AMP sequence variant interpretation guidelines (Richards et al. 2015 PMID: 25741868, with internal and published modifications).

NM_033225.6(CSMD1):c.3675C>T (p.Tyr1225=)

Gene: CSMD1 (CUB and Sushi multiple domains 1; minus strand). Cytogenetic location: 8p23.2.
Variant type: single nucleotide variant.
Coding change: c.3675C>T on transcript NM_033225.6 (MANE Select); coding-DNA position 3675, C replaced by T.
Protein change: p.Tyr1225=; no amino-acid change (tyrosine 1225 retained).
Molecular consequence: synonymous variant.
Genome position (GRCh38, 1-based): chr8:3,308,460, G>A on the plus strand (C>T on the coding strand, the complement: CSMD1 is on the minus strand). VCF-style: chr8-3308460-G-A. GRCh37 (hg19) VCF-style: chr8-3165982-G-A.
Identifiers: ClinVar variation 3034534 (VCV003034534.2), dbSNP rs146926975, ClinGen allele CA4607728.